The following is an entry in ClinVar:

NM_005094.4(SLC27A4):c.504C>A (p.Cys168Ter)

Gene: SLC27A4 (solute carrier family 27 member 4; plus strand). Cytogenetic location: 9q34.11.
Variant type: single nucleotide variant.
Coding change: c.504C>A on transcript NM_005094.4 (MANE Select); coding-DNA position 504, C replaced by A.
Protein change: p.Cys168Ter; replaces cysteine 168 with a stop codon.
Molecular consequence: nonsense.
Genome position (GRCh38, 1-based): chr9:128,345,497, C>A. VCF-style: chr9-128345497-C-A. GRCh37 (hg19) VCF-style: chr9-131107776-C-A.
Other names: short protein forms C168*.
Identifiers: ClinVar variation 5742 (VCV000005742.20), dbSNP rs137853131, ClinGen allele CA117712.

ClinVar aggregate classification (germline): Pathogenic/Likely pathogenic. Review status: criteria provided, multiple submitters, no conflicts (2 of 4 stars). 6 submissions from 6 submitters: Pathogenic (3); Likely pathogenic (1). 2 of the submissions do not count toward it. Last evaluated 2025-12-24.

Conditions:
SLC27A4-related disorder. Also called: SLC27A4-related condition.
Autosomal recessive congenital ichthyosis (ARCI). Identifiers: Orphanet 281097, MedGen C1274215, MONDO:0017265.
Ichthyosis prematurity syndrome (IPS). Also called: ICHTHYOSIS CONGENITA IV. Identifiers: Orphanet 88621, MedGen C1837610, MONDO:0012089, OMIM 608649.

Allele frequency attached by ClinVar (database versions not stated): TOPMed 0.00005; gnomAD 0.00009; ExAC 0.00027.
gnomAD v4.1: 164 of 1,611,178 alleles (0.01%); highest among the groups gnomAD compares: Non-Finnish European, 0.0085%; no homozygotes.

Submissions (6):

Labcorp Genetics (formerly Invitae), Labcorp
Classification: Pathogenic. Last evaluated: 2025-12-24. Review status: criteria provided, single submitter. Criteria: Invitae Variant Classification Sherloc (09022015). Collection method: clinical testing. Allele origin: germline.
Comment: This sequence change creates a premature translational stop signal (p.Cys168*) in the SLC27A4 gene. It is expected to result in an absent or disrupted protein product. Loss-of-function variants in SLC27A4 are known to be pathogenic (PMID: 19631310, 21450060). This variant is present in population databases (rs137853131, gnomAD 0.05%). This premature translational stop signal has been observed in individuals with ichthyosis prematurity syndrome (PMID: 19631310, 21450060, 22927265, 26783444). It has also been observed to segregate with disease in related individuals. ClinVar contains an entry for this variant (Variation ID: 5742). For these reasons, this variant has been classified as Pathogenic.

Blueprint Genetics
Classification: Pathogenic for SLC27A4-related disorders. Last evaluated: 2024-11-20. Review status: criteria provided, single submitter. Criteria: ACMG Guidelines, 2015. Collection method: clinical testing. Allele origin: germline. Affected: yes. Observed: 5 variant alleles.

Department of Pathology and Laboratory Medicine, Sinai Health System
Classification: Likely pathogenic for Ichthyosis prematurity syndrome. Last evaluated: 2022-06-22. Review status: criteria provided, single submitter. Criteria: ACMG Guidelines, 2015. Collection method: research. Allele origin: germline.

GeneDx
Classification: Pathogenic. Last evaluated: 2021-09-20. Review status: criteria provided, single submitter. Criteria: GeneDx Variant Classification Process June 2021. Collection method: clinical testing. Allele origin: germline. Affected: yes.
Comment: An individual homozygous for C168X showed complete absence of protein by immunostaining of a skin biopsy and by Western blot of fibroblasts; tissue studies showed that C168X significantly reduced VLCFA-CoA synthetase activity, formation of very-long chain fatty acid acyl-CoA (VLCFA-CoA), and impaired incorporation of fatty acids into lipids (Klar et al., 2009); Nonsense variant predicted to result in protein truncation or nonsense mediated decay in a gene for which loss-of-function is a known mechanism of disease; This variant is associated with the following publications: (PMID: 31980526, 31595490, 19631310, 26341232, 22927265, 27535533, 31589614)

OMIM
Classification: Pathogenic for ICHTHYOSIS PREMATURITY SYNDROME. Last evaluated: 2009-08-01. Review status: no assertion criteria provided. Collection method: literature only. Allele origin: germline. Not counted in ClinVar's aggregate classification.

GeneReviews
No classification provided. Condition: Autosomal recessive congenital ichthyosis. Review status: no classification provided. Collection method: literature only. Allele origin: germline. Not counted in ClinVar's aggregate classification.

Literature cited by the submitters: PubMed 19631310 (cited by 3 submitters); PubMed 21450060 (cited by Labcorp Genetics (formerly Invitae), Labcorp and GeneReviews); PubMed 22927265 (cited by Labcorp Genetics (formerly Invitae), Labcorp); PubMed 26783444 (cited by Labcorp Genetics (formerly Invitae), Labcorp); PubMed 27025581 (cited by GeneReviews).